The following is an entry in ClinVar:

ClinVar aggregate classification (germline): Pathogenic. Review status: reviewed by expert panel (3 of 4 stars). 9 submissions from 9 submitters: Pathogenic (1). 8 of the submissions do not count toward it. Last evaluated 2016-09-08.

Conditions:
Hereditary breast ovarian cancer syndrome. Also called: Hereditary breast and ovarian cancer syndrome; Hereditary breast and ovarian cancer; Hereditary breast and ovarian cancer syndrome (HBOC); Breast and ovarian cancer; Hereditary breast and/or ovarian cancer syndrome; BRCA1- and BRCA2-Associated Hereditary Breast and Ovarian Cancer. Identifiers: Orphanet 145, MedGen C0677776, MeSH D061325, MONDO:0003582. Disease mechanism: loss of function.
Hereditary cancer-predisposing syndrome. Also called: Neoplastic Syndromes, Hereditary; Tumor predisposition; Hereditary neoplastic syndrome; Hereditary Cancer Syndrome. Identifiers: Orphanet 140162, MedGen C0027672, MeSH D009386, MONDO:0015356.
Breast-ovarian cancer, familial, susceptibility to, 2 (BROVCA2). Also called: BRCA2 Hereditary Breast and Ovarian Cancer. Identifiers: Orphanet 145, MedGen C2675520, MONDO:0012933, OMIM 612555. Disease mechanism: loss of function.

Submissions (9):

Evidence-based Network for the Interpretation of Germline Mutant Alleles (ENIGMA)
Classification: Pathogenic for Breast-ovarian cancer, familial, susceptibility to, 2. Last evaluated: 2016-09-08. Review status: reviewed by expert panel. Criteria: ENIGMA BRCA1/2 Classification Criteria (2015). Collection method: curation. Allele origin: germline.
Comment: Variant allele predicted to encode a truncated non-functional protein.

Institute of Human Genetics, University of Leipzig Medical Center
Classification: Pathogenic for Breast-ovarian cancer, familial, susceptibility to, 2. Last evaluated: 2025-12-08. Review status: criteria provided, single submitter. Criteria: ACMG Guidelines, 2015. Collection method: clinical testing. Allele origin: paternal. Inheritance: Autosomal dominant inheritance. Affected: yes. Not counted in ClinVar's aggregate classification.
Comment: Criteria applied: PVS1,PM5_STR,PM2_SUP

Labcorp Genetics (formerly Invitae), Labcorp
Classification: Pathogenic for Hereditary breast ovarian cancer syndrome. Last evaluated: 2025-03-17. Review status: criteria provided, single submitter. Criteria: Invitae Variant Classification Sherloc (09022015). Collection method: clinical testing. Allele origin: germline. Not counted in ClinVar's aggregate classification.
Comment: This sequence change creates a premature translational stop signal (p.Tyr2854Metfs*9) in the BRCA2 gene. It is expected to result in an absent or disrupted protein product. Loss-of-function variants in BRCA2 are known to be pathogenic (PMID: 20104584). This variant is not present in population databases (gnomAD no frequency). This premature translational stop signal has been observed in individual(s) with family or personal history of breast and/or ovarian cancer (PMID: 10923033, 26022348). This variant is also known as 8788delT. ClinVar contains an entry for this variant (Variation ID: 52620). For these reasons, this variant has been classified as Pathogenic.

Ambry Genetics
Classification: Pathogenic for Hereditary cancer-predisposing syndrome. Last evaluated: 2020-09-08. Review status: criteria provided, single submitter. Criteria: Ambry Variant Classification Scheme 2023. Collection method: clinical testing. Allele origin: germline. Not counted in ClinVar's aggregate classification.
Comment: The c.8560delT pathogenic mutation, located in coding exon 19 of the BRCA2 gene, results from a deletion of one nucleotide at nucleotide position 8560, causing a translational frameshift with a predicted alternate stop codon (p.Y2854Mfs*9). This mutation was identified in an individual at risk for hereditary breast and/or ovarian cancer referred for multigene panel testing (Schroeder C et al. Breast Cancer Res. Treat. 2015 Jul;152(1):129-136). In addition to the clinical data presented in the literature, this alteration is expected to result in loss of function by premature protein truncation or nonsense-mediated mRNA decay. As such, this alteration is interpreted as a disease-causing mutation.

Color Diagnostics, LLC DBA Color Health
Classification: Pathogenic for Hereditary cancer-predisposing syndrome. Last evaluated: 2020-01-15. Review status: criteria provided, single submitter. Criteria: ACMG Guidelines, 2015. Collection method: clinical testing. Allele origin: germline. Not counted in ClinVar's aggregate classification.
Comment: This variant deletes 1 nucleotide in exon 20 of the BRCA2 gene, creating a frameshift and premature translation stop signal. This variant is expected to result in an absent or non-functional protein product. This variant has not been identified in the general population by the Genome Aggregation Database (gnomAD). Loss of BRCA2 function is a known mechanism of disease. Based on the available evidence, this variant is classified as Pathogenic.

GeneDx
Classification: Pathogenic. Last evaluated: 2017-08-15. Review status: criteria provided, single submitter. Criteria: GeneDx Variant Classification (06012015). Collection method: clinical testing. Allele origin: germline. Affected: yes. Not counted in ClinVar's aggregate classification.
Comment: This deletion of one nucleotide in BRCA2 is denoted c.8560delT at the cDNA level and p.Tyr2854MetfsX9 (Y2854MfsX9) at the protein level. The normal sequence, with the base that is deleted in brackets, is CAAAA[delT]ATGT. The deletion causes a frameshift which changes a Tyrosine to a Methionine at codon 2854, and creates a premature stop codon at position 9 of the new reading frame. This variant is predicted to cause loss of normal protein function through either protein truncation or nonsense-mediated mRNA decay. BRCA2 c.8560delT has been reported in at least one individual with a family history of breast or ovarian cancer (Schroeder 2015). We consider this variant to be pathogenic.

Consortium of Investigators of Modifiers of BRCA1/2 (CIMBA), c/o University of Cambridge
Classification: Pathogenic for Breast-ovarian cancer, familial, susceptibility to, 2. Last evaluated: 2015-10-02. Review status: criteria provided, single submitter. Criteria: CIMBA Mutation Classification guidelines May 2016. Collection method: clinical testing. Allele origin: germline. Not counted in ClinVar's aggregate classification.

BRCAlab, Lund University
Classification: Pathogenic for Breast-ovarian cancer, familial, susceptibility to, 2. Last evaluated: 2022-08-26. Review status: no assertion criteria provided. Collection method: clinical testing. Allele origin: germline. Affected: yes. Not counted in ClinVar's aggregate classification.

Breast Cancer Information Core (BIC) (BRCA2)
Classification: Pathogenic for Breast-ovarian cancer, familial 2. Last evaluated: 2002-05-29. Review status: no assertion criteria provided. Collection method: clinical testing. Allele origin: germline. Affected: yes. Observed: 2 variant alleles. Not counted in ClinVar's aggregate classification.

Literature cited by the submitters: PubMed 20104584 (cited by Labcorp Genetics (formerly Invitae), Labcorp); PubMed 10923033 (cited by Labcorp Genetics (formerly Invitae), Labcorp); PubMed 26022348 (cited by Labcorp Genetics (formerly Invitae), Labcorp).

NM_000059.4(BRCA2):c.8560del (p.Tyr2854fs)

Gene: BRCA2 (BRCA2 DNA repair associated; plus strand). Cytogenetic location: 13q13.1.
Variant type: Deletion.
Coding change: c.8560del on transcript NM_000059.4 (MANE Select); coding-DNA position 8560, one base deleted (T; older notation c.8560delT).
Protein change: p.Tyr2854fs; shifts the reading frame from tyrosine 2854.
Molecular consequence: frameshift variant.
Genome position (GRCh38, 1-based): chr13:32,371,028, T deleted. VCF-style (leftmost placement, unchanged base first): chr13-32371027-AT-A. GRCh37 (hg19) VCF-style: chr13-32945164-AT-A.
Other names: 8788delT; c.8560delT (NM_000059.3).
Identifiers: ClinVar variation 52620 (VCV000052620.35), dbSNP rs80359717, ClinGen allele CA025708.